The following is an entry in ClinVar:

NM_006005.3(WFS1):c.1012A>G (p.Ile338Val)

Gene: WFS1 (wolframin ER transmembrane glycoprotein; plus strand). Cytogenetic location: 4p16.1.
Variant type: single nucleotide variant.
Coding change: c.1012A>G on transcript NM_006005.3 (MANE Select); coding-DNA position 1012, A replaced by G.
Protein change: p.Ile338Val; replaces isoleucine 338 with valine.
Molecular consequence: missense variant.
Genome position (GRCh38, 1-based): chr4:6,300,807, A>G. VCF-style: chr4-6300807-A-G. GRCh37 (hg19) VCF-style: chr4-6302534-A-G.
Other names: c.1012A>G, p.Ile338Val (NM_001145853.1); short protein forms I338V.
Identifiers: ClinVar variation 1570306 (VCV001570306.15), dbSNP rs541594934, ClinGen allele CA2839191.
Genomic context (GRCh38, chr4:6,300,807, plus strand): 5'-ATCATCCCCACGCACCACATCAACGCGCTCATCTTCTTCTTCATCGTCAGCAACCTCACC[A>G]TCGACTTCTTCGCCTTCTTCATCCCGCTGGTCATCTTCTACCTGTCCTTCATCTCCATGG-3'
Protein context (NP_005996.2, residues 328-348): IFFFIVSNLT[Ile338Val]DFFAFFIPLV

ClinVar aggregate classification (germline): Conflicting classifications of pathogenicity. Review status: criteria provided, conflicting classifications (1 of 4 stars). 4 submissions from 4 submitters: Uncertain significance (2); Likely benign (1). 1 of the submissions does not count toward it. Last evaluated 2025-06-13.

Conditions:
WFS1-related disorder. Identifiers: MedGen CN379391, MONDO:0700293.
Inborn genetic diseases. Identifiers: MedGen C0950123, MeSH D030342.

Allele frequency attached by ClinVar (database versions not stated): ExAC 0.00012; gnomAD exomes 0.00015; 1000 Genomes Project 30x 0.00016; 1000 Genomes Project 0.00020.
gnomAD v4.1: 83 of 1,613,912 alleles (0.0051%); highest among the groups gnomAD compares: South Asian, 0.063%; 1 homozygote.

Submissions (4):

GeneDx
Classification: Uncertain significance. Last evaluated: 2025-06-13. Review status: criteria provided, single submitter. Criteria: GeneDx Variant Classification Process June 2021. Collection method: clinical testing. Allele origin: germline. Affected: yes.
Comment: In silico analysis suggests that this missense variant does not alter protein structure/function; Has not been previously published as pathogenic or benign to our knowledge

Labcorp Genetics (formerly Invitae), Labcorp
Classification: Likely benign. Last evaluated: 2024-12-04. Review status: criteria provided, single submitter. Criteria: Invitae Variant Classification Sherloc (09022015). Collection method: clinical testing. Allele origin: germline.

Ambry Genetics
Classification: Uncertain significance for Inborn genetic diseases. Last evaluated: 2024-01-23. Review status: criteria provided, single submitter. Criteria: Ambry Variant Classification Scheme 2023. Collection method: clinical testing. Allele origin: germline.

PreventionGenetics, part of Exact Sciences
Classification: Uncertain significance for WFS1-related condition. Last evaluated: 2024-05-29. Review status: no assertion criteria provided. Collection method: clinical testing. Allele origin: germline. Not counted in ClinVar's aggregate classification.
Comment: The WFS1 c.1012A>G variant is predicted to result in the amino acid substitution p.Ile338Val. To our knowledge, this variant has not been reported in the literature. This variant is reported in 0.085% of alleles in individuals of East Asian descent in gnomAD. Although we suspect that this variant may be benign, at this time, the clinical significance of this variant is uncertain due to the absence of conclusive functional and genetic evidence.